The following is an entry in ClinVar:

ClinVar aggregate classification (germline): Uncertain significance. Review status: criteria provided, multiple submitters, no conflicts (2 of 4 stars). 2 submissions from 2 submitters: Uncertain significance (2). Last evaluated 2025-07-29.

Conditions:
Dystonic disorder. Also called: Dystonia. Identifiers: MedGen C0013421, MONDO:0003441, HP:0001332.

Allele frequency attached by ClinVar (database versions not stated): gnomAD 0.00002; TOPMed 0.00003; ExAC 0.00008.
gnomAD v4.1: 29 of 1,613,946 alleles (0.0018%); highest among the groups gnomAD compares: Admixed American, 0.04%; no homozygotes.

Submissions (2):

Labcorp Genetics (formerly Invitae), Labcorp
Classification: Uncertain significance for Dystonic disorder. Last evaluated: 2025-07-29. Review status: criteria provided, single submitter. Criteria: Invitae Variant Classification Sherloc (09022015). Collection method: clinical testing. Allele origin: germline.
Comment: This sequence change replaces isoleucine, which is neutral and non-polar, with threonine, which is neutral and polar, at codon 678 of the CIZ1 protein (p.Ile678Thr). This variant is present in population databases (rs759201456, gnomAD 0.05%), and has an allele count higher than expected for a pathogenic variant. This variant has not been reported in the literature in individuals affected with CIZ1-related conditions. ClinVar contains an entry for this variant (Variation ID: 2195025). An algorithm developed to predict the effect of missense changes on protein structure and function (PolyPhen-2) suggests that this variant is likely to be tolerated. In summary, the available evidence is currently insufficient to determine the role of this variant in disease. Therefore, it has been classified as a Variant of Uncertain Significance.

Ambry Genetics
Classification: Uncertain significance. Last evaluated: 2024-01-22. Review status: criteria provided, single submitter. Criteria: Ambry Variant Classification Scheme 2023. Collection method: clinical testing. Allele origin: germline.

NM_001131016.2(CIZ1):c.2033T>C (p.Ile678Thr)

Gene: CIZ1 (CDKN1A interacting zinc finger protein 1; minus strand). Cytogenetic location: 9q34.11.
Variant type: single nucleotide variant.
Coding change: c.2033T>C on transcript NM_001131016.2 (MANE Select); coding-DNA position 2033, T replaced by C.
Protein change: p.Ile678Thr; replaces isoleucine 678 with threonine.
Molecular consequence: missense variant.
Genome position (GRCh38, 1-based): chr9:128,169,518, A>G on the plus strand (T>C on the coding strand, the complement: CIZ1 is on the minus strand). VCF-style: chr9-128169518-A-G. GRCh37 (hg19) VCF-style: chr9-130931797-A-G.
Other names: c.1865T>C, p.Ile622Thr (NM_001131015.2); c.1850T>C, p.Ile617Thr (NM_001131017.2); c.1793T>C, p.Ile598Thr (NM_001131018.2); c.2201T>C, p.Ile734Thr (NM_001257975.2); c.1730T>C, p.Ile577Thr (NM_001257976.2); c.2033T>C, p.Ile678Thr (NM_012127.3); c.2033T>C (NM_012127.2); short protein forms I577T, I598T, I617T, I622T, I678T, I734T.
Identifiers: ClinVar variation 2195025 (VCV002195025.5), dbSNP rs759201456, ClinGen allele CA5257123.
Genomic context (GRCh38, chr9:128,169,518, plus strand): 5'-CGAGGGGTTTTGAAGTAGCGGTTGCAAACGGTGCAGAAGGGTCGCAAGGATTGTTTGGCA[A>G]TCTGGAAAAAGGCAGGCCAACCAAGCAGTGTCCCCAGCTGCAAGCCCCCTGACTAGCACC-3'
Protein context (NP_001124488.1, residues 668-688): IQHRRTQDHK[Ile678Thr]AKQSLRPFCT